The following is an entry in ClinVar:

ClinVar aggregate classification (germline): Uncertain significance. Review status: criteria provided, single submitter (1 of 4 stars). 2 submissions from 2 submitters: Uncertain significance (1). 1 of the submissions does not count toward it. Last evaluated 2025-02-01.

Conditions:
TSHZ1-related disorder. Also called: TSHZ1-related condition.

Allele frequency attached by ClinVar (database versions not stated): gnomAD 0.00001; ExAC 0.00004; TOPMed 0.00004; ESP Exome Variant Server 0.00008.
gnomAD v4.1: 137 of 1,595,274 alleles (0.0086%); highest among the groups gnomAD compares: Non-Finnish European, 0.011%; no homozygotes.

Submissions (2):

Ambry Genetics
Classification: Uncertain significance. Last evaluated: 2025-02-01. Review status: criteria provided, single submitter. Criteria: Ambry Variant Classification Scheme 2023. Collection method: clinical testing. Allele origin: germline.

PreventionGenetics, part of Exact Sciences
Classification: Uncertain significance for TSHZ1-related condition. Last evaluated: 2024-07-15. Review status: no assertion criteria provided. Collection method: clinical testing. Allele origin: germline. Not counted in ClinVar's aggregate classification.
Comment: The TSHZ1 c.28G>A variant is predicted to result in the amino acid substitution p.Glu10Lys. This variant was reported in an individual with bilateral vertical talus (Tayebi et al. 2022. PubMed ID: 35487415). This variant is reported in 0.0063% of alleles in individuals of European (Non-Finnish) descent in gnomAD. At this time, the clinical significance of this variant is uncertain due to the absence of conclusive functional and genetic evidence.

NM_001308210.2(TSHZ1):c.163G>A (p.Glu55Lys)

Gene: TSHZ1 (teashirt zinc finger homeobox 1; plus strand). Cytogenetic location: 18q22.3.
Variant type: single nucleotide variant.
Coding change: c.163G>A on transcript NM_001308210.2 (MANE Select); coding-DNA position 163, G replaced by A.
Protein change: p.Glu55Lys; replaces glutamic acid 55 with lysine.
Molecular consequence: missense variant.
Genome position (GRCh38, 1-based): chr18:75,285,570, G>A. VCF-style: chr18-75285570-G-A. GRCh37 (hg19) VCF-style: chr18-72997525-G-A.
Other names: c.28G>A, p.Glu10Lys (NM_005786.6); c.28G>A (NM_005786.5); short protein forms E10K, E55K.
Identifiers: ClinVar variation 3183682 (VCV003183682.3), dbSNP rs375819140, ClinGen allele CA9001748.